The following is an entry in ClinVar:

NM_000308.4(CTSA):c.533G>C (p.Ser178Thr)

Gene: CTSA (cathepsin A; plus strand). Cytogenetic location: 20q13.12.
Variant type: single nucleotide variant.
Coding change: c.533G>C on transcript NM_000308.4 (MANE Select); coding-DNA position 533, G replaced by C.
Protein change: p.Ser178Thr; replaces serine 178 with threonine.
Molecular consequence: missense variant. On other transcripts: non-coding transcript variant (1).
Genome position (GRCh38, 1-based): chr20:45,892,813, G>C. VCF-style: chr20-45892813-G-C. GRCh37 (hg19) VCF-style: chr20-44521452-G-C.
Other names: c.533G>C, p.Ser178Thr (NM_001127695.3); c.482G>C, p.Ser161Thr (NM_001167594.3); c.587G>C (NM_000308.2); short protein forms S178T, S161T.
Identifiers: ClinVar variation 862347 (VCV000862347.9), dbSNP rs757124963, ClinGen allele CA9883068.

ClinVar aggregate classification (germline): Uncertain significance. Review status: criteria provided, multiple submitters, no conflicts (2 of 4 stars). 2 submissions from 2 submitters: Uncertain significance (2). Last evaluated 2024-11-21.

Conditions:
Combined deficiency of sialidase AND beta galactosidase (GSL). Also called: CATHEPSIN A DEFICIENCY; GOLDBERG SYNDROME; NEURAMINIDASE DEFICIENCY WITH BETA-GALACTOSIDASE DEFICIENCY; NEURAMINIDASE/BETA-GALACTOSIDASE EXPRESSION; PPCA DEFICIENCY; PROTECTIVE PROTEIN/CATHEPSIN A DEFICIENCY. Identifiers: Orphanet 351, MedGen C0268233, MONDO:0009737, OMIM 256540.

Allele frequency attached by ClinVar (database versions not stated): gnomAD exomes below 0.00001 and 0.00001; ExAC 0.00001; gnomAD 0.00001; TOPMed 0.00001.

Submissions (2):

GeneDx
Classification: Uncertain significance. Last evaluated: 2024-11-21. Review status: criteria provided, single submitter. Criteria: GeneDx Variant Classification Process June 2021. Collection method: clinical testing. Allele origin: germline. Affected: yes.
Comment: Not observed at significant frequency in large population cohorts (gnomAD); In silico analysis supports that this missense variant has a deleterious effect on protein structure/function; Has not been previously published as pathogenic or benign to our knowledge

Labcorp Genetics (formerly Invitae), Labcorp
Classification: Uncertain significance for Combined deficiency of sialidase AND beta galactosidase. Last evaluated: 2022-06-08. Review status: criteria provided, single submitter. Criteria: Invitae Variant Classification Sherloc (09022015). Collection method: clinical testing. Allele origin: germline.
Comment: This sequence change replaces serine, which is neutral and polar, with threonine, which is neutral and polar, at codon 196 of the CTSA protein (p.Ser196Thr). This variant is present in population databases (rs757124963, gnomAD 0.009%). This missense change has been observed in individual(s) with clinical features of galactosialidosis (Invitae). In at least one individual the data is consistent with being in trans (on the opposite chromosome) from a pathogenic variant. ClinVar contains an entry for this variant (Variation ID: 862347). Algorithms developed to predict the effect of missense changes on protein structure and function are either unavailable or do not agree on the potential impact of this missense change (SIFT: "Not Available"; PolyPhen-2: "Probably Damaging"; Align-GVGD: "Not Available"). In summary, the available evidence is currently insufficient to determine the role of this variant in disease. Therefore, it has been classified as a Variant of Uncertain Significance.